The following is an entry in ClinVar:

NM_198428.3(BBS9):c.599A>G (p.Gln200Arg)

Gene: BBS9 (Bardet-Biedl syndrome 9; plus strand). Cytogenetic location: 7p14.3.
Variant type: single nucleotide variant.
Coding change: c.599A>G on transcript NM_198428.3 (MANE Select); coding-DNA position 599, A replaced by G.
Protein change: p.Gln200Arg; replaces glutamine 200 with arginine.
Molecular consequence: missense variant. On other transcripts: non-coding transcript variant (3).
Genome position (GRCh38, 1-based): chr7:33,257,392, A>G. VCF-style: chr7-33257392-A-G. GRCh37 (hg19) VCF-style: chr7-33297004-A-G.
Other names: c.599A>G, p.Gln200Arg (NM_001033604.2, NM_001033605.2, NM_001348036.1 and 5 more transcripts); c.233A>G, p.Gln78Arg (NM_001348037.3, NM_001348044.3, NM_001348045.3 and 1 more transcripts); c.326A>G, p.Gln109Arg (NM_001348038.3, NM_001348039.3); c.464A>G, p.Gln155Arg (NM_001348042.3); short protein forms Q109R, Q155R, Q200R, Q78R.
Identifiers: ClinVar variation 3352010 (VCV003352010.1).

ClinVar aggregate classification (germline): Uncertain significance (0 of 4 stars; one submission).

Conditions:
BBS9-related disorder. Also called: BBS9-related condition.

Submission:

PreventionGenetics, part of Exact Sciences
Classification: Uncertain significance for BBS9-related condition. Last evaluated: 2024-04-10. Review status: no assertion criteria provided. Collection method: clinical testing. Allele origin: germline.
Comment: The BBS9 c.599A>G variant is predicted to result in the amino acid substitution p.Gln200Arg. To our knowledge, this variant has not been reported in the literature or in a large population database, indicating this variant is rare. At this time, the clinical significance of this variant is uncertain due to the absence of conclusive functional and genetic evidence.